The following is an entry in ClinVar:

NM_000170.3(GLDC):c.670C>T (p.Arg224Cys)

Gene: GLDC (glycine decarboxylase; minus strand). Cytogenetic location: 9p24.1.
Variant type: single nucleotide variant.
Coding change: c.670C>T on transcript NM_000170.3 (MANE Select); coding-DNA position 670, C replaced by T.
Protein change: p.Arg224Cys; replaces arginine 224 with cysteine.
Molecular consequence: missense variant.
Genome position (GRCh38, 1-based): chr9:6,606,635, G>A on the plus strand (C>T on the coding strand, the complement: GLDC is on the minus strand). VCF-style: chr9-6606635-G-A. GRCh37 (hg19) VCF-style: chr9-6606635-G-A.
Other names: c.670C>T (NM_000170.2); short protein forms R224C.
Identifiers: ClinVar variation 1517631 (VCV001517631.7), dbSNP rs755436133, ClinGen allele CA4981042.

ClinVar aggregate classification (germline): Uncertain significance. Review status: criteria provided, multiple submitters, no conflicts (2 of 4 stars). 3 submissions from 3 submitters: Uncertain significance (3). Last evaluated 2024-05-18.

Conditions:
Inborn genetic diseases. Identifiers: MedGen C0950123, MeSH D030342.
Glycine encephalopathy. Also called: Nonketotic hyperglycinemia; Non-ketotic hyperglycinemia. Identifiers: Orphanet 407, MedGen C0751748, MONDO:0011612, HP:0008288.

Allele frequency attached by ClinVar (database versions not stated): gnomAD exomes 0.00001; TOPMed 0.00001; gnomAD 0.00002.

Submissions (3):

GeneDx
Classification: Uncertain significance. Last evaluated: 2024-05-18. Review status: criteria provided, single submitter. Criteria: GeneDx Variant Classification Process June 2021. Collection method: clinical testing. Allele origin: germline. Affected: yes.
Comment: Not observed at significant frequency in large population cohorts (gnomAD); In silico analysis supports that this missense variant has a deleterious effect on protein structure/function; Has not been previously published as pathogenic or benign to our knowledge

Ambry Genetics
Classification: Uncertain significance for Inborn genetic diseases. Last evaluated: 2023-10-25. Review status: criteria provided, single submitter. Criteria: Ambry Variant Classification Scheme 2023. Collection method: clinical testing. Allele origin: germline.

Labcorp Genetics (formerly Invitae), Labcorp
Classification: Uncertain significance for Glycine encephalopathy. Last evaluated: 2022-08-17. Review status: criteria provided, single submitter. Criteria: Invitae Variant Classification Sherloc (09022015). Collection method: clinical testing. Allele origin: germline.
Comment: This sequence change replaces arginine, which is basic and polar, with cysteine, which is neutral and slightly polar, at codon 224 of the GLDC protein (p.Arg224Cys). This variant is present in population databases (rs755436133, gnomAD 0.01%). This variant has not been reported in the literature in individuals affected with GLDC-related conditions. ClinVar contains an entry for this variant (Variation ID: 1517631). Algorithms developed to predict the effect of missense changes on protein structure and function are either unavailable or do not agree on the potential impact of this missense change (SIFT: "Deleterious"; PolyPhen-2: "Probably Damaging"; Align-GVGD: "Class C0"). In summary, the available evidence is currently insufficient to determine the role of this variant in disease. Therefore, it has been classified as a Variant of Uncertain Significance.